The following is an entry in ClinVar:

ClinVar aggregate classification (germline): Uncertain significance. Review status: criteria provided, multiple submitters, no conflicts (2 of 4 stars). 7 submissions from 7 submitters: Uncertain significance (7). Last evaluated 2025-10-09.

Conditions:
Mismatch repair cancer syndrome 4. Identifiers: MedGen C5436817, MONDO:0030843, OMIM 619101.
Lynch syndrome 4 (LYNCH4). Also called: Hereditary non-polyposis colorectal cancer, type 4; Colorectal cancer, hereditary nonpolyposis, type 4. Identifiers: Orphanet 144, MedGen C1838333, MONDO:0013699, OMIM 614337. Disease mechanism: loss of function.
Hereditary nonpolyposis colorectal neoplasms. Identifiers: MedGen C0009405, MeSH D003123.
Hereditary cancer-predisposing syndrome. Also called: Hereditary Cancer Syndrome; Hereditary neoplastic syndrome; Neoplastic Syndromes, Hereditary; Tumor predisposition. Identifiers: Orphanet 140162, MedGen C0027672, MeSH D009386, MONDO:0015356.
Lynch syndrome. Identifiers: Orphanet 144, MedGen C4552100, MONDO:0005835. Disease mechanism: loss of function.

Allele frequency attached by ClinVar (database versions not stated): gnomAD 0.00001; TOPMed 0.00001; ESP Exome Variant Server 0.00008; 1000 Genomes Project 30x 0.00016; 1000 Genomes Project 0.00020.
gnomAD v4.1: 13 of 1,612,628 alleles (0.00081%); highest among the groups gnomAD compares: African/African-American, 0.004%; no homozygotes.

Submissions (7):

Labcorp Genetics (formerly Invitae), Labcorp
Classification: Uncertain significance for Hereditary nonpolyposis colorectal neoplasms. Last evaluated: 2025-10-09. Review status: criteria provided, single submitter. Criteria: Invitae Variant Classification Sherloc (09022015). Collection method: clinical testing. Allele origin: germline.
Comment: This sequence change replaces arginine, which is basic and polar, with glutamine, which is neutral and polar, at codon 3 of the PMS2 protein (p.Arg3Gln). This variant is present in population databases (rs375507981, gnomAD 0.01%). This variant has not been reported in the literature in individuals affected with PMS2-related conditions. ClinVar contains an entry for this variant (Variation ID: 216462). Invitae Evidence Modeling incorporating data from in vitro experimental studies (internal data) indicates that this missense variant is not expected to disrupt PMS2 function with a negative predictive value of 95%. In summary, the available evidence is currently insufficient to determine the role of this variant in disease. Therefore, it has been classified as a Variant of Uncertain Significance.

Color Diagnostics, LLC DBA Color Health
Classification: Uncertain significance for Hereditary cancer-predisposing syndrome. Last evaluated: 2025-07-30. Review status: criteria provided, single submitter. Criteria: ACMG Guidelines, 2015. Collection method: clinical testing. Allele origin: germline.
Comment: This missense variant replaces arginine with glutamine at codon 3 of the PMS2 protein. Computational prediction suggests that this variant may not impact protein structure and function. To our knowledge, functional studies have not been reported for this variant. This variant has not been reported in individuals affected with PMS2-related disorders in the literature. This variant has been identified in 3/250274 chromosomes in the general population by the Genome Aggregation Database (gnomAD). The available evidence is insufficient to determine the role of this variant in disease conclusively. Therefore, this variant is classified as a Variant of Uncertain Significance.

Ambry Genetics
Classification: Uncertain significance for Hereditary cancer-predisposing syndrome. Last evaluated: 2024-05-28. Review status: criteria provided, single submitter. Criteria: Ambry Variant Classification Scheme 2023. Collection method: clinical testing. Allele origin: germline.
Comment: The p.R3Q variant (also known as c.8G>A), located in coding exon 1 of the PMS2 gene, results from a G to A substitution at nucleotide position 8. The arginine at codon 3 is replaced by glutamine, an amino acid with highly similar properties. This amino acid position is not well conserved in available vertebrate species. In addition, the in silico prediction for this alteration is inconclusive. Based on the available evidence, the clinical significance of this variant remains unclear.

Quest Diagnostics Nichols Institute San Juan Capistrano
Classification: Uncertain significance. Last evaluated: 2023-07-19. Review status: criteria provided, single submitter. Criteria: Quest Diagnostics criteria. Collection method: clinical testing. Allele origin: unknown.
Comment: In a large-scale breast cancer association study, the variant was seen in an individual with breast cancer (PMID: 33471991 (2021), see also LOVD). The frequency of this variant in the general population, 0.000012 (3/250274 chromosomes (Genome Aggregation Database)), is uninformative in the assessment of its pathogenicity. Analysis of this variant using bioinformatics tools for the prediction of the effect of amino acid changes on protein structure and function yielded predictions that this variant is benign. Based on the available information, we are unable to determine the clinical significance of this variant.

Department of Pathology and Laboratory Medicine, Sinai Health System
Classification: Uncertain significance for Lynch syndrome. Last evaluated: 2022-09-19. Review status: criteria provided, single submitter. Criteria: ACMG Guidelines, 2015. Collection method: clinical testing. Allele origin: germline. Affected: yes.

Fulgent Genetics
Classification: Uncertain significance for Lynch syndrome 4; Mismatch repair cancer syndrome 4. Last evaluated: 2022-04-09. Review status: criteria provided, single submitter. Criteria: ACMG Guidelines, 2015. Collection method: clinical testing. Allele origin: unknown.

Women's Health and Genetics/Laboratory Corporation of America, LabCorp
Classification: Uncertain significance. Last evaluated: 2020-05-29. Review status: criteria provided, single submitter. Criteria: LabCorp Variant Classification Summary - May 2015. Collection method: clinical testing. Allele origin: germline.
Comment: Variant summary: PMS2 c.8G>A (p.Arg3Gln) results in a conservative amino acid change in the encoded protein sequence. Five of five in-silico tools predict a benign effect of the variant on protein function. The variant allele was found at a frequency of 1.2e-05 in 250274 control chromosomes. The available data on variant occurrences in the general population are insufficient to allow any conclusion about variant significance. To our knowledge, no occurrence of c.8G>A in individuals affected with Hereditary Nonpolyposis Colorectal Cancer and no experimental evidence demonstrating its impact on protein function have been reported. Two clinical diagnostic laboratories have submitted clinical-significance assessments for this variant to ClinVar after 2014 without evidence for independent evaluation. All laboratories classified the variant as uncertain significance. Based on the evidence outlined above, the variant was classified as uncertain significance.

Literature cited by the submitters: PubMed 33471991 (cited by Quest Diagnostics Nichols Institute San Juan Capistrano).

NM_000535.7(PMS2):c.8G>A (p.Arg3Gln)

Gene: PMS2 (PMS1 homolog 2, mismatch repair system component; minus strand). Cytogenetic location: 7p22.1.
Variant type: single nucleotide variant.
Coding change: c.8G>A on transcript NM_000535.7 (MANE Select); coding-DNA position 8, G replaced by A.
Protein change: p.Arg3Gln; replaces arginine 3 with glutamine.
Molecular consequence: missense variant. On other transcripts: 5 prime UTR variant (11), non-coding transcript variant (1).
Genome position (GRCh38, 1-based): chr7:6,009,012, C>T on the plus strand (G>A on the coding strand, the complement: PMS2 is on the minus strand). VCF-style: chr7-6009012-C-T. GRCh37 (hg19) VCF-style: chr7-6048643-C-T.
Other names: c.-393G>A (NM_001322003.2, NM_001322013.2); c.-258G>A (NM_001322004.2, NM_001322010.2); c.-588G>A (NM_001322005.2); c.8G>A, p.Arg3Gln (NM_001322006.2, NM_001322014.2); c.-208G>A (NM_001322007.2); c.-68G>A (NM_001322008.2); c.-583G>A (NM_001322009.2); c.-877G>A (NM_001322011.2); and 2 more; short protein forms R3Q.
Identifiers: ClinVar variation 216462 (VCV000216462.18), dbSNP rs375507981, ClinGen allele CA052177.
Genomic context (GRCh38, chr7:6,009,012, plus strand): 5'-AGGGCGCGCGAGAGGGGACACCGGAAGACTGCGAGCCCCGCTCACCTCGAGCTCTCAGCT[C>T]GCTCCATGGATGCAACACCCGATCCGCCTCGGGGACTGGGAAAGTTCCCTCCAGGGCTCC-3'
Protein context (NP_000526.2, residues 1-13): ME[Arg3Gln]AESSSTEPAK